The following is an entry in ClinVar:

NM_001267550.2(TTN):c.105571G>A (p.Val35191Ile)

Genes: TTN (titin; minus strand), TTN-AS1 (TTN antisense RNA 1; plus strand). Cytogenetic location: 2q31.2.
Variant type: single nucleotide variant.
Coding change: c.105571G>A on transcript NM_001267550.2 (MANE Select); coding-DNA position 105571, G replaced by A.
Protein change: p.Val35191Ile; replaces valine 35191 with isoleucine.
Molecular consequence: missense variant.
Genome position (GRCh38, 1-based): chr2:178,531,044, C>T on the plus strand (G>A on the coding strand, the complement: TTN is on the minus strand). VCF-style: chr2-178531044-C-T. GRCh37 (hg19) VCF-style: chr2-179395771-C-T.
Other names: c.100648G>A, p.Val33550Ile (NM_001256850.1); c.78376G>A, p.Val26126Ile (NM_003319.4); c.97867G>A, p.Val32623Ile (NM_133378.4); c.78751G>A, p.Val26251Ile (NM_133432.3); c.78952G>A, p.Val26318Ile (NM_133437.4); short protein forms V35191I, V33550I, V26126I, V26318I, V26251I, V32623I.
Identifiers: ClinVar variation 535038 (VCV000535038.13), dbSNP rs1290162863, ClinGen allele CA349408502.

ClinVar aggregate classification (germline): Conflicting classifications of pathogenicity. Review status: criteria provided, conflicting classifications (1 of 4 stars). 2 submissions from 2 submitters: Uncertain significance (1); Likely benign (1). Last evaluated 2026-09-11.

Conditions:
Autosomal recessive limb-girdle muscular dystrophy type 2J (LGMDR10). Also called: Limb-girdle muscular dystrophy, type 2J; MUSCULAR DYSTROPHY, LIMB-GIRDLE, AUTOSOMAL RECESSIVE 10. Identifiers: Orphanet 140922, MedGen C1837342, MONDO:0012127, OMIM 608807.
Dilated cardiomyopathy 1G (CMD1G). Identifiers: Orphanet 154, MedGen C1858763, MONDO:0011400, OMIM 604145.
Cardiovascular phenotype. Identifiers: MedGen CN230736.

Allele frequency attached by ClinVar (database versions not stated): gnomAD exomes below 0.00001 and 0.00002; gnomAD 0.00001; TOPMed 0.00001.
gnomAD v4.1: 38 of 1,613,880 alleles (0.0024%); highest among the groups gnomAD compares: Non-Finnish European, 0.003%; no homozygotes.

Submissions (2):

Ambry Genetics
Classification: Likely benign for Cardiovascular phenotype. Last evaluated: 2026-09-11. Review status: criteria provided, single submitter. Criteria: Ambry Variant Classification Scheme 2023. Collection method: clinical testing. Allele origin: germline.

Labcorp Genetics (formerly Invitae), Labcorp
Classification: Uncertain significance for Dilated cardiomyopathy 1G; Autosomal recessive limb-girdle muscular dystrophy type 2J. Last evaluated: 2025-12-04. Review status: criteria provided, single submitter. Criteria: Invitae Variant Classification Sherloc (09022015). Collection method: clinical testing. Allele origin: germline.
Comment: This sequence change replaces valine, which is neutral and non-polar, with isoleucine, which is neutral and non-polar, at codon 35191 of the TTN protein (p.Val35191Ile). This variant is present in population databases (no rsID available, gnomAD 0.002%). This variant has not been reported in the literature in individuals affected with TTN-related conditions. ClinVar contains an entry for this variant (Variation ID: 535038). Experimental studies and prediction algorithms are not available or were not evaluated, and the functional significance of this variant is currently unknown. This variant is located in the M band of TTN (PMID: 25589632). Non-truncating variants in this region may be relevant for neuromuscular disorders, but have not been definitively shown to cause cardiomyopathy (PMID: 23975875). In summary, the available evidence is currently insufficient to determine the role of this variant in disease. Therefore, it has been classified as a Variant of Uncertain Significance.

Literature cited by the submitters: PubMed 25589632 (cited by Labcorp Genetics (formerly Invitae), Labcorp); PubMed 23975875 (cited by Labcorp Genetics (formerly Invitae), Labcorp).